The following is an entry in ClinVar:

ClinVar aggregate classification (germline): Pathogenic/Likely pathogenic. Review status: criteria provided, multiple submitters, no conflicts (2 of 4 stars). 3 submissions from 3 submitters: Pathogenic (1); Likely pathogenic (2). Last evaluated 2025-11-10.

Allele frequency attached by ClinVar (database versions not stated): gnomAD exomes 0.00002 and 0.00003; TOPMed 0.00002; gnomAD 0.00001; ExAC 0.00002.
gnomAD v4.1: 46 of 1,613,926 alleles (0.0029%); highest among the groups gnomAD compares: Non-Finnish European, 0.0039%; no homozygotes.

Submissions (3):

Dasa
Classification: Likely pathogenic. Last evaluated: 2025-11-10. Review status: criteria provided, single submitter. Criteria: DASA Assertion Criteria. Collection method: clinical testing. Allele origin: germline.
Comment: NM_001363711.2(DUOX2):c.3516-1G>C affects a canonical splice site and is predicted to disrupt normal RNA splicing. Loss of function is an established disease mechanism for DUOX2-associated disorders. Also, this variant is rare in population databases. Based on the currently available evidence, this variant is classified as likely pathogenic.

Labcorp Genetics (formerly Invitae), Labcorp
Classification: Likely pathogenic. Last evaluated: 2024-02-16. Review status: criteria provided, single submitter. Criteria: Invitae Variant Classification Sherloc (09022015). Collection method: clinical testing. Allele origin: germline.
Comment: This sequence change affects an acceptor splice site in intron 26 of the DUOX2 gene. It is expected to disrupt RNA splicing. Variants that disrupt the donor or acceptor splice site typically lead to a loss of protein function (PMID: 16199547), and loss-of-function variants in DUOX2 are known to be pathogenic (PMID: 12110737, 18765513, 21565790, 24423310, 24735383). This variant is present in population databases (rs764517475, gnomAD 0.004%). Disruption of this splice site has been observed in individual(s) with clinical features of thyroid dyshormonogenesis (PMID: 27557340). ClinVar contains an entry for this variant (Variation ID: 379375). Algorithms developed to predict the effect of sequence changes on RNA splicing suggest that this variant may disrupt the consensus splice site. In summary, the currently available evidence indicates that the variant is pathogenic, but additional data are needed to prove that conclusively. Therefore, this variant has been classified as Likely Pathogenic.

GeneDx
Classification: Pathogenic. Last evaluated: 2015-04-17. Review status: criteria provided, single submitter. Criteria: GeneDx Variant Classification (06012015). Collection method: clinical testing. Allele origin: germline. Affected: yes.
Comment: The c.3516-1 G>C variant in the DUOX2 gene has not been reported previously as a pathogenic variant nor as a benign polymorphism, to our knowledge. This splice site variant destroys the canonical splice acceptor site in intron 26. It is predicted to cause abnormal gene splicing, either leading to an abnormal message that is subject to nonsense-mediated mRNA decay, or to an abnormal protein product if the message is used for protein translation. The c.3516-1G>C variant was not observed in approximately 6,500 individuals of European and African American ancestry in the NHLBI Exome Sequencing Project, indicating it is not a common benign variant in these populations. We interpret c.3516-1G>C as a pathogenic variant.

Literature cited by the submitters: PubMed 16199547 (cited by Labcorp Genetics (formerly Invitae), Labcorp); PubMed 12110737 (cited by Labcorp Genetics (formerly Invitae), Labcorp); PubMed 18765513 (cited by Labcorp Genetics (formerly Invitae), Labcorp); PubMed 21565790 (cited by Labcorp Genetics (formerly Invitae), Labcorp); PubMed 24423310 (cited by Labcorp Genetics (formerly Invitae), Labcorp); PubMed 24735383 (cited by Labcorp Genetics (formerly Invitae), Labcorp); PubMed 27557340 (cited by Labcorp Genetics (formerly Invitae), Labcorp).

NM_001363711.2(DUOX2):c.3516-1G>C

Gene: DUOX2 (dual oxidase 2; minus strand). Cytogenetic location: 15q21.1.
Variant type: single nucleotide variant.
Coding change: c.3516-1G>C on transcript NM_001363711.2 (MANE Select); the canonical splice acceptor site of the intron before coding-DNA position 3516, G replaced by C.
Molecular consequence: splice acceptor variant.
Genome position (GRCh38, 1-based): chr15:45,098,059, C>G on the plus strand (G>C on the coding strand, the complement: DUOX2 is on the minus strand). VCF-style: chr15-45098059-C-G. GRCh37 (hg19) VCF-style: chr15-45390257-C-G.
Other names: c.3516-1G>C (NM_014080.5).
Identifiers: ClinVar variation 379375 (VCV000379375.11), dbSNP rs764517475, ClinGen allele CA7537838.